The following is an entry in ClinVar:

ClinVar aggregate classification (germline): Benign/Likely benign. Review status: criteria provided, multiple submitters, no conflicts (2 of 4 stars). 12 submissions from 12 submitters: Benign (8); Likely benign (1). 3 of the submissions do not count toward it. Last evaluated 2026-02-02.

Conditions:
COL6A3-related disorder. Also called: COL6A3-related condition; COL6A3-related disorders.
Collagen 6-related myopathy. Identifiers: MedGen CN117976, MONDO:0100225.
Bethlem myopathy 1A. Also called: Bethlem myopathy 1; Bethlem Muscular Dystrophy; MYOPATHY, BENIGN CONGENITAL, WITH CONTRACTURES. Identifiers: Orphanet 610, MedGen CN029274, MONDO:0024530, OMIM 158810.

Allele frequency attached by ClinVar (database versions not stated): gnomAD exomes 0.00303 and 0.01388; gnomAD 0.00613 and 0.00626; 1000 Genomes Project 0.00799; 1000 Genomes Project 30x 0.00843; ExAC 0.01109; ESP Exome Variant Server 0.00038; TOPMed 0.01083.
gnomAD v4.1: 5,258 of 1,581,268 alleles (0.33%); highest among the groups gnomAD compares: Admixed American, 8.5%; 278 homozygotes.

Submissions (12):

Labcorp Genetics (formerly Invitae), Labcorp
Classification: Benign for Bethlem myopathy 1A. Last evaluated: 2026-02-02. Review status: criteria provided, single submitter. Criteria: Invitae Variant Classification Sherloc (09022015). Collection method: clinical testing. Allele origin: germline.

Athena Diagnostics
Classification: Benign. Last evaluated: 2024-08-21. Review status: criteria provided, single submitter. Criteria: Athena Diagnostics Criteria. Collection method: clinical testing. Allele origin: unknown.

Mayo Clinic Laboratories, Mayo Clinic
Classification: Benign. Last evaluated: 2018-04-04. Review status: criteria provided, single submitter. Criteria: ACMG Guidelines, 2015. Collection method: clinical testing. Allele origin: germline. Observed: 12 variant alleles.

Illumina Laboratory Services, Illumina
Classification: Benign for Collagen VI-related myopathy. Last evaluated: 2018-01-12. Review status: criteria provided, single submitter. Criteria: ICSL Variant Classification Criteria 13 December 2019. Collection method: clinical testing. Allele origin: germline.
Comment: This variant was observed in the ICSL laboratory as part of a predisposition screen in an ostensibly healthy population. It had not been previously curated by ICSL or reported in the Human Gene Mutation Database (HGMD: prior to June 1st, 2018), and was therefore a candidate for classification through an automated scoring system. Utilizing variant allele frequency, disease prevalence and penetrance estimates, and inheritance mode, an automated score was calculated to assess if this variant is too frequent to cause the disease. Based on the score and internal cut-off values, a variant classified as benign is not then subjected to further curation. The score for this variant resulted in a classification of benign for this disease.

GeneDx
Classification: Benign. Last evaluated: 2016-02-18. Review status: criteria provided, single submitter. Criteria: GeneDx Variant Classification (06012015). Collection method: clinical testing. Allele origin: germline. Affected: yes.
Comment: This variant is considered likely benign or benign based on one or more of the following criteria: it is a conservative change, it occurs at a poorly conserved position in the protein, it is predicted to be benign by multiple in silico algorithms, and/or has population frequency not consistent with disease.

Genetic Services Laboratory, University of Chicago
Classification: Benign. Last evaluated: 2015-09-19. Review status: criteria provided, single submitter. Criteria: ACMG Guidelines, 2015. Collection method: clinical testing. Allele origin: germline. Affected: no.

Center for Pediatric Genomic Medicine, Children's Mercy Hospital and Clinics
Classification: Benign. Last evaluated: 2015-06-05. Review status: criteria provided, single submitter. Criteria: ACMG Guidelines, 2015. Collection method: clinical testing. Allele origin: germline.

Eurofins Ntd Llc (ga)
Classification: Benign. Last evaluated: 2012-11-05. Review status: criteria provided, single submitter. Criteria: EGL Classification Definitions 2015. Collection method: clinical testing. Allele origin: germline. Observed: 4 variant alleles, 4 heterozygotes.

Breakthrough Genomics
Classification: Likely benign. Review status: criteria provided, single submitter. Criteria: ACMG Guidelines, 2015. Collection method: not provided. Allele origin: germline. Inheritance: Autosomal recessive inheritance. Affected: yes.

PreventionGenetics, part of Exact Sciences
Classification: Benign for COL6A3-related condition. Last evaluated: 2020-03-27. Review status: no assertion criteria provided. Collection method: clinical testing. Allele origin: germline. Not counted in ClinVar's aggregate classification.
Comment: This variant is classified as benign based on ACMG/AMP sequence variant interpretation guidelines (Richards et al. 2015 PMID: 25741868, with internal and published modifications).

Genome Diagnostics Laboratory, University Medical Center Utrecht
Classification: Likely benign. Review status: no assertion criteria provided. Collection method: clinical testing. Allele origin: germline. Affected: yes. Study: VKGL Data-share Consensus. Not counted in ClinVar's aggregate classification.

Laboratory of Diagnostic Genome Analysis, Leiden University Medical Center (LUMC)
Classification: Likely benign. Review status: no assertion criteria provided. Collection method: clinical testing. Allele origin: germline. Affected: yes. Study: VKGL Data-share Consensus. Not counted in ClinVar's aggregate classification.

NM_004369.4(COL6A3):c.4285+9G>A

Gene: COL6A3 (collagen type VI alpha 3 chain; minus strand). Cytogenetic location: 2q37.3.
Variant type: single nucleotide variant.
Coding change: c.4285+9G>A on transcript NM_004369.4 (MANE Select); 9 bases into the intron after coding-DNA position 4285, G replaced by A.
Molecular consequence: intron variant. On other transcripts: missense variant (2).
Genome position (GRCh38, 1-based): chr2:237,371,723, C>T on the plus strand (G>A on the coding strand, the complement: COL6A3 is on the minus strand). VCF-style: chr2-237371723-C-T. GRCh37 (hg19) VCF-style: chr2-238280366-C-T.
Other names: p.?; c.3676G>A (NM_057165.4); c.3073G>A, p.Gly1025Arg (NM_057164.5); c.3676G>A, p.Gly1226Arg (NM_057165.5); c.2464+9G>A (NM_057166.5); c.3667+9G>A (NM_057167.4); short protein forms G1025R, G1226R.
Identifiers: ClinVar variation 94932 (VCV000094932.31), dbSNP rs75780727, ClinGen allele CA147963.